The following is an entry in ClinVar:

NM_000090.4(COL3A1):c.172G>C (p.Gly58Arg)

Gene: COL3A1 (collagen type III alpha 1 chain; plus strand). Cytogenetic location: 2q32.2.
Variant type: single nucleotide variant.
Coding change: c.172G>C on transcript NM_000090.4 (MANE Select); coding-DNA position 172, G replaced by C.
Protein change: p.Gly58Arg; replaces glycine 58 with arginine.
Molecular consequence: missense variant.
Genome position (GRCh38, 1-based): chr2:188,984,852, G>C. VCF-style: chr2-188984852-G-C. GRCh37 (hg19) VCF-style: chr2-189849578-G-C.
Other names: short protein forms G58R.
Identifiers: ClinVar variation 3386425 (VCV003386425.1).

ClinVar aggregate classification (germline): Uncertain significance (1 of 4 stars; one submission).

Conditions:
Ehlers-Danlos syndrome, type 4 (EDSVASC). Also called: Ehlers-Danlos syndrome vascular type; Ehlers Danlos syndrome, ecchymotic type; Ehlers Danlos syndrome, arterial type; Ehlers Danlos syndrome, Sack-Barabas type; Ehlers-Danlos Syndrome Type IV. Identifiers: Orphanet 286, MedGen C0268338, MONDO:0017314, OMIM 130050.

Submission:

All of Us Research Program, National Institutes of Health
Classification: Uncertain significance for Ehlers-Danlos syndrome, type 4. Last evaluated: 2024-04-16. Review status: criteria provided, single submitter. Criteria: ACMG Guidelines, 2015. Collection method: clinical testing. Allele origin: germline. Inheritance: Autosomal dominant inheritance. Observed: 1 variant allele, 1 heterozygote.
Comment: This missense variant replaces glycine with arginine at codon 58 of the COL3A1 protein. Computational prediction tools indicate that this variant has a deleterious impact on protein structure and function. To our knowledge, functional studies have not been reported for this variant. This variant has not been reported in individuals affected with COL3A1-related disorders in the literature. This variant has not been identified in the general population by the Genome Aggregation Database (gnomAD). The available evidence is insufficient to determine the role of this variant in disease conclusively. Therefore, this variant is classified as a Variant of Uncertain Significance.

This study involves interpretation of variants in research participants for the purpose of population health screening. Participant phenotype was not available at the time of variant classification. Additional details can be found in publication PMID: 35346344, PMCID: PMC8962531